The following is an entry in ClinVar:

ClinVar aggregate classification (germline): Conflicting classifications of pathogenicity. Review status: criteria provided, conflicting classifications (1 of 4 stars). 7 submissions from 7 submitters: Uncertain significance (6); Likely benign (1). Last evaluated 2026-09-01.

Conditions:
Distal myopathy with posterior leg and anterior hand involvement. Also called: WILLIAMS DISTAL MYOPATHY. Identifiers: Orphanet 63273, MedGen C3279722, MONDO:0013550, OMIM 614065.
Hypertrophic cardiomyopathy 26. Also called: Cardiomyopathy, familial hypertrophic, 26. Identifiers: Orphanet 75249, MedGen C4310749, MONDO:0014883, OMIM 617047.
Myofibrillar myopathy 5. Also called: Filaminopathy (type); FILAMINOPATHY, AUTOSOMAL DOMINANT. Identifiers: Orphanet 171445, MedGen C1836050, MONDO:0012289, OMIM 609524.
Cardiovascular phenotype. Identifiers: MedGen CN230736.

Allele frequency attached by ClinVar (database versions not stated): gnomAD exomes 0.00001 and 0.00002; ExAC 0.00002; gnomAD 0.00002; TOPMed 0.00003.
gnomAD v4.1: 23 of 1,612,534 alleles (0.0014%); highest among the groups gnomAD compares: Admixed American, 0.0033%; no homozygotes.

Submissions (7):

CeGaT Center for Human Genetics Tuebingen
Classification: Uncertain significance. Last evaluated: 2026-09-01. Review status: criteria provided, single submitter. Criteria: CeGaT Center For Human Genetics Tuebingen Variant Classification Criteria Version 2. Collection method: clinical testing. Allele origin: germline. Affected: yes. Observed: 1 variant allele.
Comment: FLNC: PP3

Labcorp Genetics (formerly Invitae), Labcorp
Classification: Likely benign for Distal myopathy with posterior leg and anterior hand involvement; Myofibrillar myopathy 5; Hypertrophic cardiomyopathy 26. Last evaluated: 2026-01-13. Review status: criteria provided, single submitter. Criteria: Invitae Variant Classification Sherloc (09022015). Collection method: clinical testing. Allele origin: germline.

GeneDx
Classification: Uncertain significance. Last evaluated: 2025-02-11. Review status: criteria provided, single submitter. Criteria: GeneDx Variant Classification Process June 2021. Collection method: clinical testing. Allele origin: germline.
Comment: Identified in patients with cardiomyopathy in published literature (PMID: 32154132, 30418145); In silico analysis supports that this missense variant has a deleterious effect on protein structure/function; This variant is associated with the following publications: (PMID: 32154132, 30418145, 32112656, 39226896)

Ambry Genetics
Classification: Uncertain significance for Cardiovascular phenotype. Last evaluated: 2024-10-11. Review status: criteria provided, single submitter. Criteria: Ambry Variant Classification Scheme 2023. Collection method: clinical testing. Allele origin: germline.
Comment: The p.R2410C variant (also known as c.7228C>T), located in coding exon 43 of the FLNC gene, results from a C to T substitution at nucleotide position 7228. The arginine at codon 2410 is replaced by cysteine, an amino acid with highly dissimilar properties. This variant has been reported in individual(s) in cardiomyopathy cohorts, but clinical details were limited (Ader F et al. Clin Genet, 2019 Oct;96:317-329; Xiao F et al. Transl Pediatr, 2020 Feb;9:21-33). This amino acid position is highly conserved in available vertebrate species. In addition, this alteration is predicted to be deleterious by in silico analysis. Based on the available evidence, the clinical significance of this variant remains unclear.

ARUP Laboratories, Molecular Genetics and Genomics, ARUP Laboratories
Classification: Uncertain significance. Last evaluated: 2023-01-03. Review status: criteria provided, single submitter. Criteria: ARUP Molecular Germline Variant Investigation Process 2024. Collection method: clinical testing. Allele origin: germline.
Comment: The FLNC c.7228C>T; p.Arg2410Cys variant (rs750686083) is reported in the literature in an individual affected with hypertrophic cardiomyopathy (Ader 2018). This variant is also reported in ClinVar (Variation ID: 967275), but is only observed on six alleles in the Genome Aggregation Database, indicating it is not a common polymorphism. The arginine at codon 2410 is highly conserved, and computational analyses are uncertain whether this variant is neutral or deleterious (REVEL: 0.641). Due to limited information, the clinical significance of this variant is uncertain at this time. References: Ader F et al. (Genotype-phenotype correlations of pathogenic variants in the FLNC gene). Med Sci (Paris). 2018 Nov;34 Hors serie no2:39-41. French. PMID: 30418145.

Fulgent Genetics
Classification: Uncertain significance for Myofibrillar myopathy 5; Distal myopathy with posterior leg and anterior hand involvement; Hypertrophic cardiomyopathy 26. Last evaluated: 2022-05-16. Review status: criteria provided, single submitter. Criteria: ACMG Guidelines, 2015. Collection method: clinical testing. Allele origin: unknown.

Revvity Omics, Revvity
Classification: Uncertain significance. Last evaluated: 2019-10-22. Review status: criteria provided, single submitter. Criteria: ACMG Guidelines, 2015. Collection method: clinical testing. Allele origin: germline.

Literature cited by the submitters: PubMed 31245841 (cited by Ambry Genetics); PubMed 32154132 (cited by Ambry Genetics).

NM_001458.5(FLNC):c.7228C>T (p.Arg2410Cys)

Genes: FLNC (filamin C; plus strand), FLNC-AS1 (FLNC antisense RNA 1; minus strand). Cytogenetic location: 7q32.1.
Variant type: single nucleotide variant.
Coding change: c.7228C>T on transcript NM_001458.5 (MANE Select); coding-DNA position 7228, C replaced by T.
Protein change: p.Arg2410Cys; replaces arginine 2410 with cysteine.
Molecular consequence: missense variant.
Genome position (GRCh38, 1-based): chr7:128,855,291, C>T. VCF-style: chr7-128855291-C-T. GRCh37 (hg19) VCF-style: chr7-128495345-C-T.
Other names: c.7129C>T, p.Arg2377Cys (NM_001127487.2); short protein forms R2377C, R2410C.
Identifiers: ClinVar variation 967275 (VCV000967275.16), dbSNP rs750686083, ClinGen allele CA4476192.